The following is an entry in ClinVar:

NM_024513.4(FYCO1):c.*466C>T

Gene: FYCO1 (FYVE and coiled-coil domain autophagy adaptor 1; minus strand). Cytogenetic location: 3p21.31.
Variant type: single nucleotide variant.
Coding change: c.*466C>T on transcript NM_024513.4 (MANE Select); 466 bases downstream of the stop codon, C replaced by T.
Molecular consequence: 3 prime UTR variant.
Genome position (GRCh38, 1-based): chr3:45,921,299, G>A on the plus strand (C>T on the coding strand, the complement: FYCO1 is on the minus strand). VCF-style: chr3-45921299-G-A. GRCh37 (hg19) VCF-style: chr3-45962791-G-A.
Identifiers: ClinVar variation 345485 (VCV000345485.6), dbSNP rs73830632, ClinGen allele CA10616637.
Genomic context (GRCh38, chr3:45,921,299, plus strand): 5'-GTCCCCTGGCACCGACTCGCATGATGGCTGTGTACCTCCTTTTCCCAGGAGTACCTGAGG[G>A]CGTCACAGCCTGAGGATTCACAGGGCATGGCCAGTGCACCCAGCTCAGTCTCCAACATGC-3'

ClinVar aggregate classification (germline): Benign. Review status: criteria provided, multiple submitters, no conflicts (2 of 4 stars). 2 submissions from 2 submitters: Benign (2). Last evaluated 2018-01-13.

Conditions:
Cataract 18 (CATC2). Also called: CATARACT 18, AUTOSOMAL RECESSIVE. Identifiers: Orphanet 91492, Orphanet 98991, Orphanet 98992, Orphanet 98995, MedGen C1864908, MONDO:0012395, OMIM 610019.

Allele frequency attached by ClinVar (database versions not stated): gnomAD exomes 0.00163; 1000 Genomes Project 0.00998; gnomAD 0.01041 and 0.01121; 1000 Genomes Project 30x 0.01046; TOPMed 0.01132.

Submissions (2):

Illumina Laboratory Services, Illumina
Classification: Benign for Cataract 18. Last evaluated: 2018-01-13. Review status: criteria provided, single submitter. Criteria: ICSL Variant Classification Criteria 13 December 2019. Collection method: clinical testing. Allele origin: germline.
Comment: This variant was observed in the ICSL laboratory as part of a predisposition screen in an ostensibly healthy population. It had not been previously curated by ICSL or reported in the Human Gene Mutation Database (HGMD: prior to June 1st, 2018), and was therefore a candidate for classification through an automated scoring system. Utilizing variant allele frequency, disease prevalence and penetrance estimates, and inheritance mode, an automated score was calculated to assess if this variant is too frequent to cause the disease. Based on the score and internal cut-off values, a variant classified as benign is not then subjected to further curation. The score for this variant resulted in a classification of benign for this disease.

Breakthrough Genomics
Classification: Benign. Review status: criteria provided, single submitter. Criteria: ACMG Guidelines, 2015. Collection method: not provided. Allele origin: germline. Inheritance: Autosomal recessive inheritance. Affected: yes.